The following is an entry in ClinVar:

ClinVar aggregate classification (germline): Pathogenic (1 of 4 stars; one submission).

Conditions:
Hereditary cancer-predisposing syndrome. Also called: Neoplastic Syndromes, Hereditary; Tumor predisposition; Hereditary Cancer Syndrome; Hereditary neoplastic syndrome. Identifiers: Orphanet 140162, MedGen C0027672, MeSH D009386, MONDO:0015356.

Submission:

Ambry Genetics
Classification: Pathogenic for Hereditary cancer-predisposing syndrome. Last evaluated: 2022-04-19. Review status: criteria provided, single submitter. Criteria: Ambry Variant Classification Scheme 2023. Collection method: clinical testing. Allele origin: germline.
Comment: The c.8225_8226delAT variant, located in coding exon 17 of the BRCA2 gene, results from a deletion of two nucleotides at nucleotide positions 8225 to 8226, causing a translational frameshift with a predicted alternate stop codon (p.N2742Rfs*21). This variant is considered to be rare based on population cohorts in the Genome Aggregation Database (gnomAD). This alteration is expected to result in loss of function by premature protein truncation or nonsense-mediated mRNA decay. As such, this alteration is interpreted as a disease-causing mutation.

NM_000059.4(BRCA2):c.8225_8226del (p.Asn2742fs)

Gene: BRCA2 (BRCA2 DNA repair associated; plus strand). Cytogenetic location: 13q13.1.
Variant type: Deletion.
Coding change: c.8225_8226del on transcript NM_000059.4 (MANE Select); coding-DNA positions 8225 to 8226, 2 bases deleted (AT; older notation c.8225_8226delAT).
Protein change: p.Asn2742fs; shifts the reading frame from asparagine 2742.
Molecular consequence: frameshift variant.
Genome position (GRCh38, 1-based): chr13:32,363,427-32,363,428, AT deleted. VCF-style (leftmost placement, unchanged base first): chr13-32363426-AAT-A. GRCh37 (hg19) VCF-style: chr13-32937563-AAT-A.
Other names: c.8129_8130delAT, p.Asn2710Argfs (NM_001406719.1); c.8225_8226delAT, p.Asn2742Argfs (NM_001406720.1); c.3293_3294delAT, p.Asn1098Argfs (NM_001406721.1); c.1808_1809delAT, p.Asn603Argfs (NM_001406722.1); short protein forms N2742fs.
Identifiers: ClinVar variation 1762526 (VCV001762526.2), dbSNP rs2548546813, ClinGen allele CA2580087499.